The following is an entry in ClinVar:

NM_001291303.3(FAT4):c.13495G>T (p.Glu4499Ter)

Gene: FAT4 (FAT atypical cadherin 4; plus strand). Cytogenetic location: 4q28.1.
Variant type: single nucleotide variant.
Coding change: c.13495G>T on transcript NM_001291303.3 (MANE Select); coding-DNA position 13495, G replaced by T.
Protein change: p.Glu4499Ter; replaces glutamic acid 4499 with a stop codon.
Molecular consequence: nonsense.
Genome position (GRCh38, 1-based): chr4:125,490,311, G>T. VCF-style: chr4-125490311-G-T. GRCh37 (hg19) VCF-style: chr4-126411466-G-T.
Other names: c.13492G>T, p.Glu4498Ter (NM_001291285.3, NM_001438397.1); c.8266G>T, p.Glu2756Ter (NM_001437895.1); c.13495G>T, p.Glu4499Ter (NM_001438396.1); c.13489G>T, p.Glu4497Ter (NM_024582.6); short protein forms E2756*, E4497*, E4498*, E4499*.
Identifiers: ClinVar variation 4538277 (VCV004538277.1).

ClinVar aggregate classification (germline): Uncertain significance (1 of 4 stars; one submission).

Submission:

Greenwood Genetic Center Diagnostic Laboratories, Greenwood Genetic Center
Classification: Uncertain significance. Last evaluated: 2025-06-02. Review status: criteria provided, single submitter. Criteria: ACMG Guidelines, 2015. Collection method: clinical testing. Allele origin: germline. Affected: yes.
Comment: PM2